The following is an entry in ClinVar:

ClinVar aggregate classification (germline): Benign/Likely benign. Review status: criteria provided, multiple submitters, no conflicts (2 of 4 stars). 5 submissions from 5 submitters: Benign (3); Likely benign (1). 1 of the submissions does not count toward it. Last evaluated 2026-01-27.

Conditions:
KATNIP-related disorder. Also called: KATNIP-related condition.

Allele frequency attached by ClinVar (database versions not stated): 1000 Genomes Project 0.00938; 1000 Genomes Project 30x 0.00953; gnomAD exomes 0.01774; TOPMed 0.01965; ExAC 0.02128; ESP Exome Variant Server 0.02193.
gnomAD v4.1: 41,197 of 1,611,384 alleles (2.6%); highest among the groups gnomAD compares: Non-Finnish European, 3.1%; 661 homozygotes.

Submissions (5):

Labcorp Genetics (formerly Invitae), Labcorp
Classification: Benign. Last evaluated: 2026-01-27. Review status: criteria provided, single submitter. Criteria: Invitae Variant Classification Sherloc (09022015). Collection method: clinical testing. Allele origin: germline.

Blueprint Genetics
Classification: Likely benign. Last evaluated: 2024-11-27. Review status: criteria provided, single submitter. Criteria: ACMG Guidelines, 2015. Collection method: clinical testing. Allele origin: germline.

Mayo Clinic Laboratories, Mayo Clinic
Classification: Benign. Last evaluated: 2023-02-17. Review status: criteria provided, single submitter. Criteria: ACMG Guidelines, 2015. Collection method: clinical testing. Allele origin: germline. Observed: 3 variant alleles.
Comment: BS1, BS2, BP4

Breakthrough Genomics
Classification: Benign. Review status: criteria provided, single submitter. Criteria: ACMG Guidelines, 2015. Collection method: not provided. Allele origin: germline. Inheritance: Autosomal recessive inheritance. Affected: yes.

PreventionGenetics, part of Exact Sciences
Classification: Benign for KATNIP-related condition. Last evaluated: 2019-04-17. Review status: no assertion criteria provided. Collection method: clinical testing. Allele origin: germline. Not counted in ClinVar's aggregate classification.
Comment: This variant is classified as benign based on ACMG/AMP sequence variant interpretation guidelines (Richards et al. 2015 PMID: 25741868, with internal and published modifications).

NM_015202.5(KATNIP):c.4276G>A (p.Glu1426Lys)

Gene: KATNIP (katanin interacting protein; plus strand). Cytogenetic location: 16p12.1.
Variant type: single nucleotide variant.
Coding change: c.4276G>A on transcript NM_015202.5 (MANE Select); coding-DNA position 4276, G replaced by A.
Protein change: p.Glu1426Lys; replaces glutamic acid 1426 with lysine.
Molecular consequence: missense variant.
Genome position (GRCh38, 1-based): chr16:27,773,176, G>A. VCF-style: chr16-27773176-G-A. GRCh37 (hg19) VCF-style: chr16-27784497-G-A.
Other names: p.Glu1426Lys; c.4276G>A (NM_015202.3, NM_015202.4); short protein forms E1426K.
Identifiers: ClinVar variation 1682075 (VCV001682075.13), dbSNP rs117316062, ClinGen allele CA7978565.
Genomic context (GRCh38, chr16:27,773,176, plus strand): 5'-CTTCTCACCAGCTGGGGCGACCCCTACTACATCGGCCTCACCGGCCTGGAGCTGTATGAC[G>A]AGCGAGGAGAAAAAATCCCCTTGTCGGAAAACAGTATCCTTTGTAGGACAGGAGTGGGCT-3'
Protein context (NP_056017.4, residues 1416-1436): IGLTGLELYD[Glu1426Lys]RGEKIPLSEN